The following is an entry in ClinVar:

NM_000349.3(STAR):c.221C>G (p.Ala74Gly)

Gene: STAR (steroidogenic acute regulatory protein; minus strand). Cytogenetic location: 8p11.23.
Variant type: single nucleotide variant.
Coding change: c.221C>G on transcript NM_000349.3 (MANE Select); coding-DNA position 221, C replaced by G.
Protein change: p.Ala74Gly; replaces alanine 74 with glycine.
Molecular consequence: missense variant.
Genome position (GRCh38, 1-based): chr8:38,148,285, G>C on the plus strand (C>G on the coding strand, the complement: STAR is on the minus strand). VCF-style: chr8-38148285-G-C. GRCh37 (hg19) VCF-style: chr8-38005803-G-C.
Other names: short protein forms A74G.
Identifiers: ClinVar variation 2442502 (VCV002442502.1), dbSNP rs2487067578, ClinGen allele CA370702977.

ClinVar aggregate classification (germline): Uncertain significance (1 of 4 stars; one submission).

Submission:

GeneDx
Classification: Uncertain significance. Last evaluated: 2022-09-06. Review status: criteria provided, single submitter. Criteria: GeneDx Variant Classification Process June 2021. Collection method: clinical testing. Allele origin: germline. Affected: yes.
Comment: Not observed at significant frequency in large population cohorts (gnomAD); In silico analysis supports that this missense variant does not alter protein structure/function; Has not been previously published as pathogenic or benign to our knowledge